The following is an entry in ClinVar:

NM_004523.4(KIF11):c.1234T>G (p.Leu412Val)

Gene: KIF11 (kinesin family member 11; plus strand). Cytogenetic location: 10q23.33.
Variant type: single nucleotide variant.
Coding change: c.1234T>G on transcript NM_004523.4 (MANE Select); coding-DNA position 1234, T replaced by G.
Protein change: p.Leu412Val; replaces leucine 412 with valine.
Molecular consequence: missense variant.
Genome position (GRCh38, 1-based): chr10:92,628,824, T>G. VCF-style: chr10-92628824-T-G. GRCh37 (hg19) VCF-style: chr10-94388581-T-G.
Other names: short protein forms L412V.
Identifiers: ClinVar variation 4806020 (VCV004806020.1).
Genomic context (GRCh38, chr10:92,628,824, plus strand): 5'-GAAAAAAATATTAACTGTTAAACTCATATTAAACTTTATTTTAGAGTCATGAGTGGAAAA[T>G]TAACTGTTCAAGAAGAGCAGATTGTAGAATTGATTGAAAAAATTGGTGCTGTTGAGGAGG-3'
Protein context (NP_004514.2, residues 402-422): EENFRVMSGK[Leu412Val]TVQEEQIVEL

ClinVar aggregate classification (germline): Uncertain significance (1 of 4 stars; one submission).

Submission:

Labcorp Genetics (formerly Invitae), Labcorp
Classification: Uncertain significance. Last evaluated: 2025-09-15. Review status: criteria provided, single submitter. Criteria: Invitae Variant Classification Sherloc (09022015). Collection method: clinical testing. Allele origin: germline.
Comment: This sequence change replaces leucine, which is neutral and non-polar, with valine, which is neutral and non-polar, at codon 412 of the KIF11 protein (p.Leu412Val). This variant is not present in population databases (gnomAD no frequency). This variant has not been reported in the literature in individuals affected with KIF11-related conditions. Invitae Evidence Modeling of protein sequence and biophysical properties (such as structural, functional, and spatial information, amino acid conservation, physicochemical variation, residue mobility, and thermodynamic stability) indicates that this missense variant is not expected to disrupt KIF11 protein function with a negative predictive value of 95%. In summary, the available evidence is currently insufficient to determine the role of this variant in disease. Therefore, it has been classified as a Variant of Uncertain Significance.